The following is an entry in ClinVar:

NM_025114.4(CEP290):c.2623A>G (p.Met875Val)

Gene: CEP290 (centrosomal protein 290; minus strand). Cytogenetic location: 12q21.32.
Variant type: single nucleotide variant.
Coding change: c.2623A>G on transcript NM_025114.4 (MANE Select); coding-DNA position 2623, A replaced by G.
Protein change: p.Met875Val; replaces methionine 875 with valine.
Molecular consequence: missense variant.
Genome position (GRCh38, 1-based): chr12:88,106,869, T>C on the plus strand (A>G on the coding strand, the complement: CEP290 is on the minus strand). VCF-style: chr12-88106869-T-C. GRCh37 (hg19) VCF-style: chr12-88500646-T-C.
Other names: short protein forms M875V.
Identifiers: ClinVar variation 1965058 (VCV001965058.3), dbSNP rs2500622391, ClinGen allele CA385971492.
Genomic context (GRCh38, chr12:88,106,869, plus strand): 5'-ATTTTTCATTCACTTGCAAAACAGTAATTTTCCTACTATTTTCTGCAAGTATTTTTTTCA[T>C]TTCATCCGAATCCATCTGAAGAGCATTGAGCAAATTCTGCACAAAGACACATCCATATTA-3'
Protein context (NP_079390.3, residues 865-885): LNALQMDSDE[Met875Val]KKILAENSRK

ClinVar aggregate classification (germline): Uncertain significance (1 of 4 stars; one submission).

Conditions:
Joubert syndrome. Also called: CEREBELLOPARENCHYMAL DISORDER IV; JOUBERT-BOLTSHAUSER SYNDROME; Familial aplasia of the vermis. Identifiers: Orphanet 475, MedGen C5979921, MONDO:0018772.
Meckel-Gruber syndrome. Also called: DYSENCEPHALIA SPLANCHNOCYSTICA; GRUBER SYNDROME; Dysencephalia splachnocystica. Identifiers: Orphanet 564, MedGen C0265215, MONDO:0018921.
Nephronophthisis. Also called: Juvenile Nephronophthisis. Identifiers: Orphanet 655, MedGen C0687120, MONDO:0019005, HP:0000090.

Allele frequency attached by ClinVar (database versions not stated): gnomAD exomes 0.00001.

Submission:

Labcorp Genetics (formerly Invitae), Labcorp
Classification: Uncertain significance for Joubert syndrome; Meckel-Gruber syndrome; Nephronophthisis. Last evaluated: 2025-09-02. Review status: criteria provided, single submitter. Criteria: Invitae Variant Classification Sherloc (09022015). Collection method: clinical testing. Allele origin: germline.
Comment: This sequence change replaces methionine, which is neutral and non-polar, with valine, which is neutral and non-polar, at codon 875 of the CEP290 protein (p.Met875Val). This variant is not present in population databases (gnomAD no frequency). This variant has not been reported in the literature in individuals affected with CEP290-related conditions. ClinVar contains an entry for this variant (Variation ID: 1965058). Invitae Evidence Modeling of protein sequence and biophysical properties (such as structural, functional, and spatial information, amino acid conservation, physicochemical variation, residue mobility, and thermodynamic stability) indicates that this missense variant is not expected to disrupt CEP290 protein function with a negative predictive value of 80%. In summary, the available evidence is currently insufficient to determine the role of this variant in disease. Therefore, it has been classified as a Variant of Uncertain Significance.